The following is an entry in ClinVar:

ClinVar aggregate classification (germline): Pathogenic (1 of 4 stars; one submission).

Submission:

Labcorp Genetics (formerly Invitae), Labcorp
Classification: Pathogenic. Last evaluated: 2025-08-04. Review status: criteria provided, single submitter. Criteria: Invitae Variant Classification Sherloc (09022015). Collection method: clinical testing. Allele origin: germline.
Comment: This sequence change creates a premature translational stop signal (p.Val92Phefs*43) in the NFIA gene. It is expected to result in an absent or disrupted protein product. Loss-of-function variants in NFIA are known to be pathogenic (PMID: 27081522, 31730271). This variant is not present in population databases (gnomAD no frequency). This variant has not been reported in the literature in individuals affected with NFIA-related conditions. ClinVar contains an entry for this variant (Variation ID: 2871682). For these reasons, this variant has been classified as Pathogenic.

Literature cited by the submitters: PubMed 27081522; PubMed 31730271.

NM_001134673.4(NFIA):c.274del (p.Val92fs)

Gene: NFIA (nuclear factor I A; plus strand). Cytogenetic location: 1p31.3.
Variant type: Deletion.
Coding change: c.274del on transcript NM_001134673.4 (MANE Select); coding-DNA position 274, one base deleted (G; older notation c.274delG).
Protein change: p.Val92fs; shifts the reading frame from valine 92.
Molecular consequence: frameshift variant.
Genome position (GRCh38, 1-based): chr1:61,088,395, G deleted. VCF-style (leftmost placement, unchanged base first): chr1-61088394-TG-T. GRCh37 (hg19) VCF-style: chr1-61554066-TG-T.
Other names: c.250del, p.Val84fs (NM_001145511.2); c.409del, p.Val137fs (NM_001145512.2); c.274del, p.Val92fs (NM_005595.5); short protein forms V137fs, V92fs, V84fs.
Identifiers: ClinVar variation 2871682 (VCV002871682.3), dbSNP rs2524200215, ClinGen allele CA2739272569.
Genomic context (GRCh38, chr1:61,088,394, plus strand): 5'-GGCATCTCGACTTCTGGCAAAGTTGCGGAAAGATATCCGACCCGAATATCGAGAGGATTT[TG>T]TTCTTACAGTTACAGGGAAAAAACCTCCATGTTGTGTTCTTTCCAACCCAGACCAGAAAG-3'